The following is an entry in ClinVar:

ClinVar aggregate classification (germline): Uncertain significance. Review status: criteria provided, multiple submitters, no conflicts (2 of 4 stars). 2 submissions from 2 submitters: Uncertain significance (2). Last evaluated 2024-05-31.

Conditions:
Kabuki syndrome 2 (KABUK2). Also called: KDM6A-Related Kabuki Syndrome. Identifiers: Orphanet 2322, MedGen C3275495, MONDO:0010465, OMIM 300867.

Allele frequency attached by ClinVar (database versions not stated): ExAC 0.00001; gnomAD exomes 0.00001.
gnomAD v4.1: 6 of 1,202,533 alleles (0.0005%); highest among the groups gnomAD compares: Non-Finnish European, 0.00068%; no homozygotes.

Submissions (2):

Fulgent Genetics
Classification: Uncertain significance for Kabuki syndrome 2. Last evaluated: 2024-05-31. Review status: criteria provided, single submitter. Criteria: ACMG Guidelines, 2015. Collection method: clinical testing. Allele origin: germline.

Labcorp Genetics (formerly Invitae), Labcorp
Classification: Uncertain significance for Kabuki syndrome 2. Last evaluated: 2022-05-03. Review status: criteria provided, single submitter. Criteria: Invitae Variant Classification Sherloc (09022015). Collection method: clinical testing. Allele origin: germline.
Comment: This sequence change replaces valine, which is neutral and non-polar, with isoleucine, which is neutral and non-polar, at codon 139 of the KDM6A protein (p.Val139Ile). The frequency data for this variant in the population databases is considered unreliable, as metrics indicate poor data quality at this position in the gnomAD database. This variant has not been reported in the literature in individuals affected with KDM6A-related conditions. Algorithms developed to predict the effect of missense changes on protein structure and function (SIFT, PolyPhen-2, Align-GVGD) all suggest that this variant is likely to be tolerated. In summary, the available evidence is currently insufficient to determine the role of this variant in disease. Therefore, it has been classified as a Variant of Uncertain Significance.

NM_001291415.2(KDM6A):c.415G>A (p.Val139Ile)

Gene: KDM6A (lysine demethylase 6A; plus strand). Cytogenetic location: Xp11.3.
Variant type: single nucleotide variant.
Coding change: c.415G>A on transcript NM_001291415.2 (MANE Select); coding-DNA position 415, G replaced by A.
Protein change: p.Val139Ile; replaces valine 139 with isoleucine.
Molecular consequence: missense variant. On other transcripts: 5 prime UTR variant (1), non-coding transcript variant (1).
Genome position (GRCh38, 1-based): chrX:45,010,991, G>A. VCF-style: chrX-45010991-G-A. GRCh37 (hg19) VCF-style: chrX-44870236-G-A.
Other names: c.415G>A, p.Val139Ile (NM_001291416.2, NM_001291417.2, NM_001291418.2 and 2 more transcripts); c.-218G>A (NM_001291421.2); c.415G>A (NM_021140.3); short protein forms V139I.
Identifiers: ClinVar variation 2012018 (VCV002012018.5), dbSNP rs768230343, ClinGen allele CA10392183.